The following is an entry in ClinVar:

NM_006371.5(CRTAP):c.976C>T (p.Gln326Ter)

Gene: CRTAP (cartilage associated protein; plus strand). Cytogenetic location: 3p22.3.
Variant type: single nucleotide variant.
Coding change: c.976C>T on transcript NM_006371.5 (MANE Select); coding-DNA position 976, C replaced by T.
Protein change: p.Gln326Ter; replaces glutamine 326 with a stop codon.
Molecular consequence: nonsense.
Genome position (GRCh38, 1-based): chr3:33,132,608, C>T. VCF-style: chr3-33132608-C-T. GRCh37 (hg19) VCF-style: chr3-33174100-C-T.
Other names: c.976C>T, p.Gln326Ter (NM_001393363.1); c.847C>T, p.Gln283Ter (NM_001393364.1); c.826C>T, p.Gln276Ter (NM_001393365.1); short protein forms Q276*, Q283*, Q326*.
Identifiers: ClinVar variation 4855477 (VCV004855477.1).

ClinVar aggregate classification (germline): Pathogenic (1 of 4 stars; one submission).

Conditions:
Osteogenesis imperfecta type 7 (OI7). Also called: OSTEOGENESIS IMPERFECTA, TYPE IIB; Osteogenesis imperfecta type 2B; OI type 2B; Osteogenesis imperfecta, perinatal lethal autosomal recessive; OI type IIB; OI type 7. Identifiers: MedGen C1853162, MONDO:0012536, OMIM 610682.

Submission:

3billion
Classification: Pathogenic for Osteogenesis imperfecta type 7. Last evaluated: 2025-09-30. Review status: criteria provided, single submitter. Criteria: ACMG Guidelines, 2015. Collection method: clinical testing. Allele origin: germline. Affected: yes.
Comment: The variant is not observed in the gnomAD v4.1.0 dataset. Predicted Consequence/Location: Stop-gained (nonsense): predicted to result in a loss or disruption of normal protein function through nonsense-mediated decay (NMD) or protein truncation. Multiple pathogenic variants are reported downstream of the variant. The variant has been reported to be associated with CRTAP-related disorder (PMID: 29150909). Therefore, this variant is classified as Pathogenic according to the recommendation of ACMG/AMP guideline.

Literature cited by the submitters: PubMed 29150909.